The following is an entry in ClinVar:

NM_006031.6(PCNT):c.9405G>A (p.Leu3135=)

Gene: PCNT (pericentrin; plus strand). Cytogenetic location: 21q22.3.
Variant type: single nucleotide variant.
Coding change: c.9405G>A on transcript NM_006031.6 (MANE Select); coding-DNA position 9405, G replaced by A.
Protein change: p.Leu3135=; no amino-acid change (leucine 3135 retained).
Molecular consequence: synonymous variant.
Genome position (GRCh38, 1-based): chr21:46,440,866, G>A. VCF-style: chr21-46440866-G-A. GRCh37 (hg19) VCF-style: chr21-47860779-G-A.
Other names: c.9405G>A (NM_006031.5); c.8814G>A, p.Leu2938= (NM_001315529.2).
Identifiers: ClinVar variation 2956694 (VCV002956694.5), dbSNP rs564193327, ClinGen allele CA10081325.

ClinVar aggregate classification (germline): Likely benign. Review status: criteria provided, single submitter (1 of 4 stars). 2 submissions from 2 submitters: Likely benign (1). 1 of the submissions does not count toward it. Last evaluated 2023-05-27.

Conditions:
PCNT-related disorder. Also called: PCNT-related condition.

Allele frequency attached by ClinVar (database versions not stated): TOPMed below 0.00001; gnomAD 0.00001; 1000 Genomes Project 30x 0.00016; 1000 Genomes Project 0.00020.
gnomAD v4.1: 10 of 1,604,024 alleles (0.00062%); highest among the groups gnomAD compares: South Asian, 0.0066%; no homozygotes.

Submissions (2):

Labcorp Genetics (formerly Invitae), Labcorp
Classification: Likely benign. Last evaluated: 2023-05-27. Review status: criteria provided, single submitter. Criteria: Invitae Variant Classification Sherloc (09022015). Collection method: clinical testing. Allele origin: germline.

PreventionGenetics, part of Exact Sciences
Classification: Likely benign for PCNT-related condition. Last evaluated: 2019-07-15. Review status: no assertion criteria provided. Collection method: clinical testing. Allele origin: germline. Not counted in ClinVar's aggregate classification.
Comment: This variant is classified as likely benign based on ACMG/AMP sequence variant interpretation guidelines (Richards et al. 2015 PMID: 25741868, with internal and published modifications).